The following is an entry in ClinVar:

NM_001370466.1(NOD2):c.958A>C (p.Thr320Pro)

Gene: NOD2 (nucleotide binding oligomerization domain containing 2; plus strand). Cytogenetic location: 16q12.1.
Variant type: single nucleotide variant.
Coding change: c.958A>C on transcript NM_001370466.1 (MANE Select); coding-DNA position 958, A replaced by C.
Protein change: p.Thr320Pro; replaces threonine 320 with proline.
Molecular consequence: missense variant. On other transcripts: non-coding transcript variant (1).
Genome position (GRCh38, 1-based): chr16:50,710,950, A>C. VCF-style: chr16-50710950-A-C. GRCh37 (hg19) VCF-style: chr16-50744861-A-C.
Other names: c.958A>C, p.Thr320Pro (NM_001293557.2); c.1039A>C, p.Thr347Pro (NM_022162.3); short protein forms T320P, T347P.
Identifiers: ClinVar variation 3573641 (VCV003573641.3).

ClinVar aggregate classification (germline): Uncertain significance. Review status: criteria provided, multiple submitters, no conflicts (2 of 4 stars). 2 submissions from 2 submitters: Uncertain significance (2). Last evaluated 2024-07-15.

Conditions:
Blau syndrome (BLAUS). Also called: ARTHROCUTANEOUVEAL GRANULOMATOSIS; GRANULOMATOSIS, FAMILIAL JUVENILE SYSTEMIC; GRANULOMATOSIS, FAMILIAL, BLAU TYPE; GRANULOMATOUS INFLAMMATORY ARTHRITIS, DERMATITIS, AND UVEITIS, FAMILIAL; JABS SYNDROME. Identifiers: Orphanet 90340, MedGen C5201146, MONDO:0008523, OMIM 186580.
Regional enteritis. Also called: Enteritis, Granulomatous. Identifiers: MedGen C0678202, MeSH D003424.

gnomAD v4.1: 1 of 1,613,896 alleles (0.000062%); highest among the groups gnomAD compares: Non-Finnish European, 0.000085%; no homozygotes.

Submissions (2):

GeneDx
Classification: Uncertain significance. Last evaluated: 2024-07-15. Review status: criteria provided, single submitter. Criteria: GeneDx Variant Classification Process June 2021. Collection method: clinical testing. Allele origin: germline. Affected: yes.
Comment: Not observed at significant frequency in large population cohorts (gnomAD); In silico analysis indicates that this missense variant does not alter protein structure/function; Has not been previously published as pathogenic or benign to our knowledge

Labcorp Genetics (formerly Invitae), Labcorp
Classification: Uncertain significance for Regional enteritis; Blau syndrome. Last evaluated: 2024-05-17. Review status: criteria provided, single submitter. Criteria: Invitae Variant Classification Sherloc (09022015). Collection method: clinical testing. Allele origin: germline.
Comment: This sequence change replaces threonine, which is neutral and polar, with proline, which is neutral and non-polar, at codon 347 of the NOD2 protein (p.Thr347Pro). This variant is not present in population databases (gnomAD no frequency). This variant has not been reported in the literature in individuals affected with NOD2-related conditions. Advanced modeling of protein sequence and biophysical properties (such as structural, functional, and spatial information, amino acid conservation, physicochemical variation, residue mobility, and thermodynamic stability) performed at Invitae indicates that this missense variant is not expected to disrupt NOD2 protein function with a negative predictive value of 95%. In summary, the available evidence is currently insufficient to determine the role of this variant in disease. Therefore, it has been classified as a Variant of Uncertain Significance.